The following is an entry in ClinVar:

NM_000929.3(PLA2G5):c.400A>C (p.Asn134His)

Gene: PLA2G5 (phospholipase A2 group V; plus strand). Cytogenetic location: 1p36.13.
Variant type: single nucleotide variant.
Coding change: c.400A>C on transcript NM_000929.3 (MANE Select); coding-DNA position 400, A replaced by C.
Protein change: p.Asn134His; replaces asparagine 134 with histidine.
Molecular consequence: missense variant.
Genome position (GRCh38, 1-based): chr1:20,090,675, A>C. VCF-style: chr1-20090675-A-C. GRCh37 (hg19) VCF-style: chr1-20417168-A-C.
Other names: short protein forms N134H.
Identifiers: ClinVar variation 1470722 (VCV001470722.8), dbSNP rs2100653665, ClinGen allele CA338823166.
Genomic context (GRCh38, chr1:20,090,675, plus strand): 5'-CTCGTCTACTGCCTCAAGAGAAACCTACGGAGCTACAACCCACAGTACCAATACTTTCCC[A>C]ACATCCTCTGCTCCTAGGCCTCCCCAGCGAGCTCCTCCCAGACCAAGACTTTTGTTCTGT-3'
Protein context (NP_000920.1, residues 124-138): SYNPQYQYFP[Asn134His]ILCS

ClinVar aggregate classification (germline): Uncertain significance (1 of 4 stars; one submission).

Allele frequency attached by ClinVar (database versions not stated): gnomAD exomes below 0.00001.
gnomAD v4.1: 2 of 1,614,032 alleles (0.00012%); highest among the groups gnomAD compares: Non-Finnish European, 0.00017%; no homozygotes.

Submission:

Labcorp Genetics (formerly Invitae), Labcorp
Classification: Uncertain significance. Last evaluated: 2022-10-24. Review status: criteria provided, single submitter. Criteria: Invitae Variant Classification Sherloc (09022015). Collection method: clinical testing. Allele origin: germline.
Comment: This sequence change replaces asparagine, which is neutral and polar, with histidine, which is basic and polar, at codon 134 of the PLA2G5 protein (p.Asn134His). This variant is not present in population databases (gnomAD no frequency). This variant has not been reported in the literature in individuals affected with PLA2G5-related conditions. ClinVar contains an entry for this variant (Variation ID: 1470722). Algorithms developed to predict the effect of missense changes on protein structure and function are either unavailable or do not agree on the potential impact of this missense change (SIFT: "Tolerated"; PolyPhen-2: "Probably Damaging"; Align-GVGD: "Class C0"). In summary, the available evidence is currently insufficient to determine the role of this variant in disease. Therefore, it has been classified as a Variant of Uncertain Significance.